The following is an entry in ClinVar:

ClinVar aggregate classification (germline): Uncertain significance (1 of 4 stars; one submission).

Submission:

Labcorp Genetics (formerly Invitae), Labcorp
Classification: Uncertain significance. Last evaluated: 2024-05-28. Review status: criteria provided, single submitter. Criteria: Invitae Variant Classification Sherloc (09022015). Collection method: clinical testing. Allele origin: germline.
Comment: This sequence change replaces histidine, which is basic and polar, with tyrosine, which is neutral and polar, at codon 721 of the FGFR3 protein (p.His721Tyr). This variant is not present in population databases (gnomAD no frequency). This variant has not been reported in the literature in individuals affected with FGFR3-related conditions. Advanced modeling of protein sequence and biophysical properties (such as structural, functional, and spatial information, amino acid conservation, physicochemical variation, residue mobility, and thermodynamic stability) has been performed at Invitae for this missense variant, however the output from this modeling did not meet the statistical confidence thresholds required to predict the impact of this variant on FGFR3 protein function. In summary, the available evidence is currently insufficient to determine the role of this variant in disease. Therefore, it has been classified as a Variant of Uncertain Significance.

NM_000142.5(FGFR3):c.2161C>T (p.His721Tyr)

Gene: FGFR3 (fibroblast growth factor receptor 3; plus strand). Cytogenetic location: 4p16.3.
Variant type: single nucleotide variant.
Coding change: c.2161C>T on transcript NM_000142.5 (MANE Select); coding-DNA position 2161, C replaced by T.
Protein change: p.His721Tyr; replaces histidine 721 with tyrosine.
Molecular consequence: missense variant. On other transcripts: non-coding transcript variant (1).
Genome position (GRCh38, 1-based): chr4:1,806,676, C>T. VCF-style: chr4-1806676-C-T. GRCh37 (hg19) VCF-style: chr4-1808403-C-T.
Other names: c.2167C>T, p.His723Tyr (NM_001163213.2); c.2164C>T, p.His722Tyr (NM_001354809.2); c.2093C>T, p.Thr698Ile (NM_001354810.2); c.1825C>T, p.His609Tyr (NM_022965.4); short protein forms H723Y, H721Y, H722Y, T698I, H609Y.
Identifiers: ClinVar variation 3636995 (VCV003636995.2).